The following is an entry in ClinVar:

ClinVar aggregate classification (germline): Conflicting classifications of pathogenicity. Review status: criteria provided, conflicting classifications (1 of 4 stars). 5 submissions from 5 submitters: Uncertain significance (4); Likely benign (1). Last evaluated 2026-08-05.

Conditions:
B4GAT1-related disorder. Also called: B4GAT1-related condition.
Muscular dystrophy-dystroglycanopathy (congenital with brain and eye anomalies), type A13. Also called: WALKER-WARBURG SYNDROME OR MUSCLE-EYE-BRAIN DISEASE, B3GNT1-RELATED; Muscular dystrophy-dystroglycanopathy (congenital with brain and eye anomalies), type a, 13. Identifiers: Orphanet 899, MedGen C3809042, MONDO:0014120, OMIM 615287.
Inborn genetic diseases. Identifiers: MedGen C0950123, MeSH D030342.

Allele frequency attached by ClinVar (database versions not stated): ESP Exome Variant Server 0.00008; gnomAD 0.00011; TOPMed 0.00012; gnomAD exomes 0.00015 and 0.00040; ExAC 0.00017; 1000 Genomes Project 0.00020; 1000 Genomes Project 30x 0.00047.

Submissions (5):

PreventionGenetics, part of Exact Sciences
Classification: Uncertain significance for B4GAT1-related condition. Last evaluated: 2026-08-05. Review status: criteria provided, single submitter. Criteria: ACMG Guidelines, 2015. Collection method: clinical testing. Allele origin: germline.
Comment: The B4GAT1 c.758C>G variant is predicted to result in the amino acid substitution p.Thr253Ser. To our knowledge, this variant has not been reported in the literature. This variant is reported in 0.025% of alleles in individuals of European (Non-Finnish) descent in gnomAD. At this time, the clinical significance of this variant is uncertain due to the absence of conclusive functional and genetic evidence.

Ambry Genetics
Classification: Likely benign for Inborn genetic diseases. Last evaluated: 2025-08-29. Review status: criteria provided, single submitter. Criteria: Ambry Variant Classification Scheme 2023. Collection method: clinical testing. Allele origin: germline.

Labcorp Genetics (formerly Invitae), Labcorp
Classification: Uncertain significance for Muscular dystrophy-dystroglycanopathy (congenital with brain and eye anomalies), type A13. Last evaluated: 2022-07-26. Review status: criteria provided, single submitter. Criteria: Invitae Variant Classification Sherloc (09022015). Collection method: clinical testing. Allele origin: germline.
Comment: This sequence change replaces threonine, which is neutral and polar, with serine, which is neutral and polar, at codon 253 of the B4GAT1 protein (p.Thr253Ser). This variant is present in population databases (rs35429253, gnomAD 0.03%). This variant has not been reported in the literature in individuals affected with B4GAT1-related conditions. ClinVar contains an entry for this variant (Variation ID: 573749). Algorithms developed to predict the effect of missense changes on protein structure and function (SIFT, PolyPhen-2, Align-GVGD) all suggest that this variant is likely to be tolerated. In summary, the available evidence is currently insufficient to determine the role of this variant in disease. Therefore, it has been classified as a Variant of Uncertain Significance.

GeneDx
Classification: Uncertain significance. Last evaluated: 2020-12-11. Review status: criteria provided, single submitter. Criteria: GeneDx Variant Classification Process June 2021. Collection method: clinical testing. Allele origin: germline. Affected: yes.
Comment: In silico analysis supports that this missense variant does not alter protein structure/function; Has not been previously published as pathogenic or benign to our knowledge

Fulgent Genetics
Classification: Uncertain significance for Muscular dystrophy-dystroglycanopathy (congenital with brain and eye anomalies), type A13. Last evaluated: 2018-10-31. Review status: criteria provided, single submitter. Criteria: ACMG Guidelines, 2015. Collection method: clinical testing. Allele origin: unknown.

NM_006876.3(B4GAT1):c.758C>G (p.Thr253Ser)

Gene: B4GAT1 (beta-1,4-glucuronyltransferase 1; minus strand). Cytogenetic location: 11q13.2.
Variant type: single nucleotide variant.
Coding change: c.758C>G on transcript NM_006876.3 (MANE Select); coding-DNA position 758, C replaced by G.
Protein change: p.Thr253Ser; replaces threonine 253 with serine.
Molecular consequence: missense variant.
Genome position (GRCh38, 1-based): chr11:66,346,788, G>C on the plus strand (C>G on the coding strand, the complement: B4GAT1 is on the minus strand). VCF-style: chr11-66346788-G-C. GRCh37 (hg19) VCF-style: chr11-66114259-G-C.
Other names: short protein forms T253S.
Identifiers: ClinVar variation 573749 (VCV000573749.12), dbSNP rs35429253, ClinGen allele CA6120511.